The following is an entry in ClinVar:

NM_000094.4(COL7A1):c.3221G>A (p.Arg1074Lys)

Gene: COL7A1 (collagen type VII alpha 1 chain; minus strand). Cytogenetic location: 3p21.31.
Variant type: single nucleotide variant.
Coding change: c.3221G>A on transcript NM_000094.4 (MANE Select); coding-DNA position 3221, G replaced by A.
Protein change: p.Arg1074Lys; replaces arginine 1074 with lysine.
Molecular consequence: missense variant.
Genome position (GRCh38, 1-based): chr3:48,587,027, C>T on the plus strand (G>A on the coding strand, the complement: COL7A1 is on the minus strand). VCF-style: chr3-48587027-C-T. GRCh37 (hg19) VCF-style: chr3-48624460-C-T.
Other names: short protein forms R1074K.
Identifiers: ClinVar variation 2165853 (VCV002165853.5), dbSNP rs773792647, ClinGen allele CA2380594.

ClinVar aggregate classification (germline): Uncertain significance. Review status: criteria provided, multiple submitters, no conflicts (2 of 4 stars). 2 submissions from 2 submitters: Uncertain significance (2). Last evaluated 2025-07-03.

Allele frequency attached by ClinVar (database versions not stated): TOPMed below 0.00001; gnomAD exomes 0.00001; ExAC 0.00002.
gnomAD v4.1: 9 of 1,605,846 alleles (0.00056%); highest among the groups gnomAD compares: Admixed American, 0.0017%; no homozygotes.

Submissions (2):

Women's Health and Genetics/Laboratory Corporation of America, LabCorp
Classification: Uncertain significance. Last evaluated: 2025-07-03. Review status: criteria provided, single submitter. Criteria: LabCorp Variant Classification Summary - May 2015. Collection method: clinical testing. Allele origin: germline.

Labcorp Genetics (formerly Invitae), Labcorp
Classification: Uncertain significance. Last evaluated: 2024-12-02. Review status: criteria provided, single submitter. Criteria: Invitae Variant Classification Sherloc (09022015). Collection method: clinical testing. Allele origin: germline.
Comment: This sequence change replaces arginine, which is basic and polar, with lysine, which is basic and polar, at codon 1074 of the COL7A1 protein (p.Arg1074Lys). This variant is present in population databases (rs773792647, gnomAD 0.003%). This variant has not been reported in the literature in individuals affected with COL7A1-related conditions. ClinVar contains an entry for this variant (Variation ID: 2165853). Invitae Evidence Modeling of protein sequence and biophysical properties (such as structural, functional, and spatial information, amino acid conservation, physicochemical variation, residue mobility, and thermodynamic stability) indicates that this missense variant is not expected to disrupt COL7A1 protein function with a negative predictive value of 95%. In summary, the available evidence is currently insufficient to determine the role of this variant in disease. Therefore, it has been classified as a Variant of Uncertain Significance.